The following is an entry in ClinVar:

NM_000215.4(JAK3):c.1315C>T (p.Leu439Phe)

Gene: JAK3 (Janus kinase 3; minus strand). Cytogenetic location: 19p13.11.
Variant type: single nucleotide variant.
Coding change: c.1315C>T on transcript NM_000215.4 (MANE Select); coding-DNA position 1315, C replaced by T.
Protein change: p.Leu439Phe; replaces leucine 439 with phenylalanine.
Molecular consequence: missense variant.
Genome position (GRCh38, 1-based): chr19:17,839,603, G>A on the plus strand (C>T on the coding strand, the complement: JAK3 is on the minus strand). VCF-style: chr19-17839603-G-A. GRCh37 (hg19) VCF-style: chr19-17950412-G-A.
Other names: short protein forms L439F.
Identifiers: ClinVar variation 1919102 (VCV001919102.5), dbSNP rs573731097, ClinGen allele CA306136462.
Genomic context (GRCh38, chr19:17,839,603, plus strand): 5'-CCCAGCAGGTTGCCAGGAGCTCTCGAAGACTGCTGTGGGGTCGGCTGAGGCCAACCAGAA[G>A]GAAGGTTCCTGTGGGGCTGCGCCGGATGAGGCAGCCCTTATAATCAGGACCAAGGGGGTT-3'
Protein context (NP_000206.2, residues 429-449): LIRRSPTGTF[Leu439Phe]LVGLSRPHSS

ClinVar aggregate classification (germline): Uncertain significance (1 of 4 stars; one submission).

Conditions:
T-B+ severe combined immunodeficiency due to JAK3 deficiency. Also called: SCID, autosomal recessive, T-negative/B-positive type; SCID, T CELL-NEGATIVE, B CELL-POSITIVE, NK CELL-NEGATIVE. Identifiers: Orphanet 35078, MedGen C1833275, MONDO:0010938, OMIM 600802.

Allele frequency attached by ClinVar (database versions not stated): gnomAD exomes below 0.00001.
gnomAD v4.1: 5 of 1,612,682 alleles (0.00031%); highest among the groups gnomAD compares: African/African-American, 0.0013%; no homozygotes.

Submission:

Labcorp Genetics (formerly Invitae), Labcorp
Classification: Uncertain significance for T-B+ severe combined immunodeficiency due to JAK3 deficiency. Last evaluated: 2022-09-27. Review status: criteria provided, single submitter. Criteria: Invitae Variant Classification Sherloc (09022015). Collection method: clinical testing. Allele origin: germline.
Comment: This sequence change replaces leucine, which is neutral and non-polar, with phenylalanine, which is neutral and non-polar, at codon 439 of the JAK3 protein (p.Leu439Phe). This variant is not present in population databases (gnomAD no frequency). This variant has not been reported in the literature in individuals affected with JAK3-related conditions. Advanced modeling of protein sequence and biophysical properties (such as structural, functional, and spatial information, amino acid conservation, physicochemical variation, residue mobility, and thermodynamic stability) performed at Invitae indicates that this missense variant is not expected to disrupt JAK3 protein function. In summary, the available evidence is currently insufficient to determine the role of this variant in disease. Therefore, it has been classified as a Variant of Uncertain Significance.